The following is an entry in ClinVar:

NM_080680.3(COL11A2):c.-44G>A

Gene: COL11A2 (collagen type XI alpha 2 chain; minus strand). Cytogenetic location: 6p21.32.
Variant type: single nucleotide variant.
Coding change: c.-44G>A on transcript NM_080680.3 (MANE Select); 44 bases upstream of the start codon, G replaced by A.
Molecular consequence: 5 prime UTR variant.
Genome position (GRCh38, 1-based): chr6:33,192,284, C>T on the plus strand (G>A on the coding strand, the complement: COL11A2 is on the minus strand). VCF-style: chr6-33192284-C-T. GRCh37 (hg19) VCF-style: chr6-33160061-C-T.
Other names: c.-44G>A (NM_001163771.2, NM_080679.3, NM_080681.3).
Identifiers: ClinVar variation 517927 (VCV000517927.1), dbSNP rs750744838, ClinGen allele CA3751777.

ClinVar aggregate classification (germline): Likely benign (1 of 4 stars; one submission).

Allele frequency attached by ClinVar (database versions not stated): gnomAD exomes 0.00001 and 0.00002; TOPMed 0.00002; gnomAD 0.00004 and 0.00005; ExAC 0.00007.

Submission:

GeneDx
Classification: Likely benign. Last evaluated: 2017-06-08. Review status: criteria provided, single submitter. Criteria: GeneDx Variant Classification (06012015). Collection method: clinical testing. Allele origin: germline. Affected: yes.
Comment: This variant is considered likely benign or benign based on one or more of the following criteria: it is a conservative change, it occurs at a poorly conserved position in the protein, it is predicted to be benign by multiple in silico algorithms, and/or has population frequency not consistent with disease.